The following is an entry in ClinVar:

ClinVar aggregate classification (germline): Uncertain significance (1 of 4 stars; one submission).

Submission:

GeneDx
Classification: Uncertain significance. Last evaluated: 2020-07-08. Review status: criteria provided, single submitter. Criteria: GeneDx Variant Classification Process June 2021. Collection method: clinical testing. Allele origin: germline. Affected: yes.
Comment: Not observed in large population cohorts (Lek et al., 2016); In silico analysis supports that this missense variant has a deleterious effect on protein structure/function; Has not been previously published as pathogenic or benign to our knowledge

NM_031475.3(ESPN):c.751G>T (p.Gly251Cys)

Gene: ESPN (espin; plus strand). Cytogenetic location: 1p36.31.
Variant type: single nucleotide variant.
Coding change: c.751G>T on transcript NM_031475.3 (MANE Select); coding-DNA position 751, G replaced by T.
Protein change: p.Gly251Cys; replaces glycine 251 with cysteine.
Molecular consequence: missense variant.
Genome position (GRCh38, 1-based): chr1:6,440,701, G>T. VCF-style: chr1-6440701-G-T. GRCh37 (hg19) VCF-style: chr1-6500761-G-T.
Other names: c.751G>T, p.Gly251Cys (NM_001367473.1, NM_001367474.1); short protein forms G251C.
Identifiers: ClinVar variation 1312950 (VCV001312950.2), dbSNP rs2148518990, ClinGen allele CA338089821.